The following is an entry in ClinVar:

ClinVar aggregate classification (germline): Pathogenic (1 of 4 stars; one submission).

Conditions:
Hereditary breast ovarian cancer syndrome. Also called: Hereditary breast and ovarian cancer; Hereditary breast and ovarian cancer syndrome; Breast and ovarian cancer; BRCA1- and BRCA2-Associated Hereditary Breast and Ovarian Cancer; Hereditary breast and ovarian cancer syndrome (HBOC); Hereditary breast and/or ovarian cancer syndrome. Identifiers: Orphanet 145, MedGen C0677776, MeSH D061325, MONDO:0003582. Disease mechanism: loss of function.

Submission:

Labcorp Genetics (formerly Invitae), Labcorp
Classification: Pathogenic for Hereditary breast ovarian cancer syndrome. Last evaluated: 2022-11-04. Review status: criteria provided, single submitter. Criteria: Invitae Variant Classification Sherloc (09022015). Collection method: clinical testing. Allele origin: germline.
Comment: For these reasons, this variant has been classified as Pathogenic. This variant has not been reported in the literature in individuals affected with BRCA2-related conditions. This variant is not present in population databases (gnomAD no frequency). This sequence change creates a premature translational stop signal (p.Asn2699Ilefs*34) in the BRCA2 gene. It is expected to result in an absent or disrupted protein product. Loss-of-function variants in BRCA2 are known to be pathogenic (PMID: 20104584).

Literature cited by the submitters: PubMed 20104584.

NM_000059.4(BRCA2):c.8096del (p.Asn2699fs)

Gene: BRCA2 (BRCA2 DNA repair associated; plus strand). Cytogenetic location: 13q13.1.
Variant type: Deletion.
Coding change: c.8096del on transcript NM_000059.4 (MANE Select); coding-DNA position 8096, one base deleted (A; older notation c.8096delA).
Protein change: p.Asn2699fs; shifts the reading frame from asparagine 2699.
Molecular consequence: frameshift variant. On other transcripts: non-coding transcript variant (1).
Genome position (GRCh38, 1-based): chr13:32,363,298, A deleted; the last of 3 consecutive A bases (chr13:32,363,296-32,363,298); deleting any one gives the same sequence. VCF-style (leftmost placement, unchanged base first): chr13-32363295-CA-C. GRCh37 (hg19) VCF-style: chr13-32937432-CA-C.
Other names: c.8000del, p.Asn2667fs (NM_001406719.1); c.8096del, p.Asn2699fs (NM_001406720.1); c.3164del, p.Asn1055fs (NM_001406721.1); c.1679del, p.Asn560fs (NM_001406722.1); short protein forms N560fs, N1055fs, N2667fs, N2699fs.
Identifiers: ClinVar variation 2812127 (VCV002812127.3), dbSNP rs2548546395, ClinGen allele CA2739277541.